The following is an entry in ClinVar:

NM_006147.4(IRF6):c.683T>C (p.Ile228Thr)

Gene: IRF6 (interferon regulatory factor 6; minus strand). Cytogenetic location: 1q32.2.
Variant type: single nucleotide variant.
Coding change: c.683T>C on transcript NM_006147.4 (MANE Select); coding-DNA position 683, T replaced by C.
Protein change: p.Ile228Thr; replaces isoleucine 228 with threonine.
Molecular consequence: missense variant.
Genome position (GRCh38, 1-based): chr1:209,790,872, A>G on the plus strand (T>C on the coding strand, the complement: IRF6 is on the minus strand). VCF-style: chr1-209790872-A-G. GRCh37 (hg19) VCF-style: chr1-209964217-A-G.
Other names: c.398T>C, p.Ile133Thr (NM_001206696.2); short protein forms I133T, I228T.
Identifiers: ClinVar variation 1403214 (VCV001403214.6), dbSNP rs2102537206, ClinGen allele CA344578216.

ClinVar aggregate classification (germline): Uncertain significance (1 of 4 stars; one submission).

Conditions:
Orofacial cleft 6, susceptibility to (OFC6). Also called: CLEFT LIP WITH OR WITHOUT CLEFT PALATE, NONSYNDROMIC, 6. Identifiers: MedGen C1837213, MONDO:0012141, OMIM 608864.
Popliteal pterygium syndrome (PPS). Identifiers: Orphanet 294963, MedGen C0265259, MONDO:0017435.
Van der Woude syndrome. Identifiers: Orphanet 888, MedGen C0175697, MONDO:0019508.

Submission:

Labcorp Genetics (formerly Invitae), Labcorp
Classification: Uncertain significance for Orofacial cleft 6, susceptibility to; Van der Woude syndrome; Popliteal pterygium syndrome. Last evaluated: 2021-03-11. Review status: criteria provided, single submitter. Criteria: Invitae Variant Classification Sherloc (09022015). Collection method: clinical testing. Allele origin: germline.
Comment: This sequence change replaces isoleucine with threonine at codon 228 of the IRF6 protein (p.Ile228Thr). The isoleucine residue is highly conserved and there is a moderate physicochemical difference between isoleucine and threonine. This variant is not present in population databases (ExAC no frequency). This variant has been observed in individual(s) with Van der Woude syndrome (Invitae). Advanced modeling of protein sequence and biophysical properties (such as structural, functional, and spatial information, amino acid conservation, physicochemical variation, residue mobility, and thermodynamic stability) performed at Invitae indicates that this missense variant is expected to disrupt IRF6 protein function. In summary, the available evidence is currently insufficient to determine the role of this variant in disease. Therefore, it has been classified as a Variant of Uncertain Significance.